The following is an entry in ClinVar:

ClinVar aggregate classification (germline): Uncertain significance (1 of 4 stars; one submission).

Allele frequency attached by ClinVar (database versions not stated): gnomAD exomes below 0.00001; TOPMed below 0.00001.

Submission:

Labcorp Genetics (formerly Invitae), Labcorp
Classification: Uncertain significance. Last evaluated: 2022-04-01. Review status: criteria provided, single submitter. Criteria: Invitae Variant Classification Sherloc (09022015). Collection method: clinical testing. Allele origin: germline.
Comment: In summary, the available evidence is currently insufficient to determine the role of this variant in disease. Therefore, it has been classified as a Variant of Uncertain Significance. Algorithms developed to predict the effect of missense changes on protein structure and function output the following: SIFT: "Deleterious"; PolyPhen-2: "Benign"; Align-GVGD: "Class C0". The serine amino acid residue is found in multiple mammalian species, which suggests that this missense change does not adversely affect protein function. This variant has not been reported in the literature in individuals affected with DTNBP1-related conditions. This variant is present in population databases (no rsID available, gnomAD 0.003%). This sequence change replaces glycine, which is neutral and non-polar, with serine, which is neutral and polar, at codon 313 of the DTNBP1 protein (p.Gly313Ser).

NM_032122.5(DTNBP1):c.937G>A (p.Gly313Ser)

Gene: DTNBP1 (dystrobrevin binding protein 1; minus strand). Cytogenetic location: 6p22.3.
Variant type: single nucleotide variant.
Coding change: c.937G>A on transcript NM_032122.5 (MANE Select); coding-DNA position 937, G replaced by A.
Protein change: p.Gly313Ser; replaces glycine 313 with serine.
Molecular consequence: missense variant.
Genome position (GRCh38, 1-based): chr6:15,523,094, C>T on the plus strand (G>A on the coding strand, the complement: DTNBP1 is on the minus strand). VCF-style: chr6-15523094-C-T. GRCh37 (hg19) VCF-style: chr6-15523325-C-T.
Other names: c.694G>A, p.Gly232Ser (NM_001271667.2, NM_183041.1); c.886G>A, p.Gly296Ser (NM_001271668.2); c.832G>A, p.Gly278Ser (NM_001271669.2); short protein forms G296S, G232S, G278S, G313S.
Identifiers: ClinVar variation 2102091 (VCV002102091.4), dbSNP rs1394447491, ClinGen allele CA362805011.